The following is an entry in ClinVar:

ClinVar aggregate classification (germline): Uncertain significance (1 of 4 stars; one submission).

Conditions:
Inborn genetic diseases. Identifiers: MedGen C0950123, MeSH D030342.

gnomAD v4.1: 1 of 1,612,220 alleles (0.000062%); highest among the groups gnomAD compares: Non-Finnish European, 0.000085%; no homozygotes.

Submission:

Ambry Genetics
Classification: Uncertain significance for Inborn genetic diseases. Last evaluated: 2025-08-28. Review status: criteria provided, single submitter. Criteria: Ambry Variant Classification Scheme 2023. Collection method: clinical testing. Allele origin: germline.
Comment: The p.Q122R variant (also known as c.365A>G), located in coding exon 2 of the LTBP3 gene, results from an A to G substitution at nucleotide position 365. The glutamine at codon 122 is replaced by arginine, an amino acid with highly similar properties. This amino acid position is conserved. In addition, the in silico prediction for this alteration is inconclusive. Based on the available evidence, the clinical significance of this variant remains unclear.

NM_001130144.3(LTBP3):c.365A>G (p.Gln122Arg)

Gene: LTBP3 (latent transforming growth factor beta binding protein 3; minus strand). Cytogenetic location: 11q13.1.
Variant type: single nucleotide variant.
Coding change: c.365A>G on transcript NM_001130144.3 (MANE Select); coding-DNA position 365, A replaced by G.
Protein change: p.Gln122Arg; replaces glutamine 122 with arginine.
Molecular consequence: missense variant.
Genome position (GRCh38, 1-based): chr11:65,554,347, T>C on the plus strand (A>G on the coding strand, the complement: LTBP3 is on the minus strand). VCF-style: chr11-65554347-T-C. GRCh37 (hg19) VCF-style: chr11-65321818-T-C.
Other names: c.14A>G, p.Gln5Arg (NM_001164266.1); c.365A>G, p.Gln122Arg (NM_021070.4); short protein forms Q122R, Q5R.
Identifiers: ClinVar variation 4101319 (VCV004101319.1).